The following is an entry in ClinVar:

NM_177438.3(DICER1):c.3419C>A (p.Thr1140Asn)

Gene: DICER1 (dicer 1, ribonuclease III; minus strand). Cytogenetic location: 14q32.13.
Variant type: single nucleotide variant.
Coding change: c.3419C>A on transcript NM_177438.3 (MANE Select); coding-DNA position 3419, C replaced by A.
Protein change: p.Thr1140Asn; replaces threonine 1140 with asparagine.
Molecular consequence: missense variant. On other transcripts: non-coding transcript variant (6).
Genome position (GRCh38, 1-based): chr14:95,103,977, G>T on the plus strand (C>A on the coding strand, the complement: DICER1 is on the minus strand). VCF-style: chr14-95103977-G-T. GRCh37 (hg19) VCF-style: chr14-95570314-G-T.
Other names: c.3419C>A, p.Thr1140Asn (NM_001195573.1, NM_001271282.3, NM_001291628.2 and 13 more transcripts); c.3137C>A, p.Thr1046Asn (NM_001395686.1); c.3014C>A, p.Thr1005Asn (NM_001395687.1, NM_001395688.1, NM_001395689.1 and 2 more transcripts); c.2852C>A, p.Thr951Asn (NM_001395691.1); c.1736C>A, p.Thr579Asn (NM_001395697.1); short protein forms T1005N, T1046N, T1140N, T579N, T951N.
Identifiers: ClinVar variation 3229376 (VCV003229376.2), dbSNP rs1595367132, ClinGen allele CA390875519.

ClinVar aggregate classification (germline): Uncertain significance. Review status: criteria provided, multiple submitters, no conflicts (2 of 4 stars). 2 submissions from 2 submitters: Uncertain significance (2). Last evaluated 2025-05-05.

Conditions:
Hereditary cancer-predisposing syndrome. Also called: Hereditary Cancer Syndrome; Tumor predisposition; Neoplastic Syndromes, Hereditary; Hereditary neoplastic syndrome. Identifiers: Orphanet 140162, MedGen C0027672, MeSH D009386, MONDO:0015356.
DICER1-related tumor predisposition. Also called: DICER1-related pleuropulmonary blastoma cancer predisposition syndrome; DICER1 syndrome. Identifiers: Orphanet 284343, MedGen C3839822, MONDO:0100216.

Submissions (2):

Labcorp Genetics (formerly Invitae), Labcorp
Classification: Uncertain significance for DICER1-related tumor predisposition. Last evaluated: 2025-05-05. Review status: criteria provided, single submitter. Criteria: Invitae Variant Classification Sherloc (09022015). Collection method: clinical testing. Allele origin: germline.
Comment: This sequence change replaces threonine, which is neutral and polar, with asparagine, which is neutral and polar, at codon 1140 of the DICER1 protein (p.Thr1140Asn). This variant is not present in population databases (gnomAD no frequency). This variant has not been reported in the literature in individuals affected with DICER1-related conditions. ClinVar contains an entry for this variant (Variation ID: 3229376). Invitae Evidence Modeling of protein sequence and biophysical properties (such as structural, functional, and spatial information, amino acid conservation, physicochemical variation, residue mobility, and thermodynamic stability) indicates that this missense variant is not expected to disrupt DICER1 protein function with a negative predictive value of 95%. In summary, the available evidence is currently insufficient to determine the role of this variant in disease. Therefore, it has been classified as a Variant of Uncertain Significance.

Ambry Genetics
Classification: Uncertain significance for Hereditary cancer-predisposing syndrome. Last evaluated: 2023-11-19. Review status: criteria provided, single submitter. Criteria: Ambry Variant Classification Scheme 2023. Collection method: clinical testing. Allele origin: germline.
Comment: The p.T1140N variant (also known as c.3419C>A), located in coding exon 20 of the DICER1 gene, results from a C to A substitution at nucleotide position 3419. The threonine at codon 1140 is replaced by asparagine, an amino acid with similar properties. This amino acid position is conserved. In addition, this alteration is predicted to be tolerated by in silico analysis. Since supporting evidence is limited at this time, the clinical significance of this alteration remains unclear.